The following is an entry in ClinVar:

ClinVar aggregate classification (germline): Benign. Review status: criteria provided, multiple submitters, no conflicts (2 of 4 stars). 4 submissions from 4 submitters: Benign (4). Last evaluated 2023-04-11.

Conditions:
Maple syrup urine disease (MSUD). Identifiers: Orphanet 511, MedGen C0024776, MeSH D008375, MONDO:0009563. Disease mechanism: loss of function.

Allele frequency attached by ClinVar (database versions not stated): TOPMed 0.04238; gnomAD 0.04366 and 0.04380; 1000 Genomes Project 0.04493; 1000 Genomes Project 30x 0.04685.

Submissions (4):

Genome-Nilou Lab
Classification: Benign for Maple syrup urine disease type 1A. Last evaluated: 2023-04-11. Review status: criteria provided, single submitter. Criteria: ACMG Guidelines, 2015. Collection method: clinical testing. Allele origin: germline. Affected: no.

GeneDx
Classification: Benign. Last evaluated: 2018-06-23. Review status: criteria provided, single submitter. Criteria: GeneDx Variant Classification Process June 2021. Collection method: clinical testing. Allele origin: germline. Affected: yes.

Illumina Laboratory Services, Illumina
Classification: Benign for Maple syrup urine disease type 1A. Last evaluated: 2018-01-13. Review status: criteria provided, single submitter. Criteria: ICSL Variant Classification Criteria 13 December 2019. Collection method: clinical testing. Allele origin: germline.
Comment: This variant was observed in the ICSL laboratory as part of a predisposition screen in an ostensibly healthy population. It had not been previously curated by ICSL or reported in the Human Gene Mutation Database (HGMD: prior to June 1st, 2018), and was therefore a candidate for classification through an automated scoring system. Utilizing variant allele frequency, disease prevalence and penetrance estimates, and inheritance mode, an automated score was calculated to assess if this variant is too frequent to cause the disease. Based on the score and internal cut-off values, a variant classified as benign is not then subjected to further curation. The score for this variant resulted in a classification of benign for this disease.

Breakthrough Genomics
Classification: Benign. Review status: criteria provided, single submitter. Criteria: ACMG Guidelines, 2015. Collection method: not provided. Allele origin: germline. Inheritance: Autosomal recessive inheritance. Affected: yes.

NM_001918.5(DBT):c.*5838G>A

Gene: DBT (dihydrolipoamide branched chain transacylase E2; minus strand). Cytogenetic location: 1p21.2.
Variant type: single nucleotide variant.
Coding change: c.*5838G>A on transcript NM_001918.5 (MANE Select); 5838 bases downstream of the stop codon, G replaced by A.
Molecular consequence: 3 prime UTR variant.
Genome position (GRCh38, 1-based): chr1:100,190,417, C>T on the plus strand (G>A on the coding strand, the complement: DBT is on the minus strand). VCF-style: chr1-100190417-C-T. GRCh37 (hg19) VCF-style: chr1-100655973-C-T.
Identifiers: ClinVar variation 291400 (VCV000291400.8), dbSNP rs79887429, ClinGen allele CA10607158.